The following is an entry in ClinVar:

ClinVar aggregate classification (germline): Uncertain significance (1 of 4 stars; one submission).

Submission:

Labcorp Genetics (formerly Invitae), Labcorp
Classification: Uncertain significance. Last evaluated: 2026-01-27. Review status: criteria provided, single submitter. Criteria: Invitae Variant Classification Sherloc (09022015). Collection method: clinical testing. Allele origin: germline.
Comment: This sequence change replaces asparagine, which is neutral and polar, with serine, which is neutral and polar, at codon 42 of the EYS protein (p.Asn42Ser). This variant is not present in population databases (gnomAD no frequency). This variant has not been reported in the literature in individuals affected with EYS-related conditions. ClinVar contains an entry for this variant (Variation ID: 3688585). Invitae Evidence Modeling of protein sequence and biophysical properties (such as structural, functional, and spatial information, amino acid conservation, physicochemical variation, residue mobility, and thermodynamic stability) indicates that this missense variant is not expected to disrupt EYS protein function with a negative predictive value of 80%. Algorithms developed to predict the effect of sequence changes on RNA splicing suggest that this variant may create or strengthen a splice site. In summary, the available evidence is currently insufficient to determine the role of this variant in disease. Therefore, it has been classified as a Variant of Uncertain Significance.

NM_001142800.2(EYS):c.125A>G (p.Asn42Ser)

Gene: EYS (EGF-like photoreceptor maintenance factor; minus strand). Cytogenetic location: 6q12.
Variant type: single nucleotide variant.
Coding change: c.125A>G on transcript NM_001142800.2 (MANE Select); coding-DNA position 125, A replaced by G.
Protein change: p.Asn42Ser; replaces asparagine 42 with serine.
Molecular consequence: missense variant.
Genome position (GRCh38, 1-based): chr6:65,495,286, T>C on the plus strand (A>G on the coding strand, the complement: EYS is on the minus strand). VCF-style: chr6-65495286-T-C. GRCh37 (hg19) VCF-style: chr6-66205179-T-C.
Other names: c.125A>G, p.Asn42Ser (NM_001142801.2, NM_001292009.2, NM_198283.2); short protein forms N42S.
Identifiers: ClinVar variation 3688585 (VCV003688585.2).